The following is an entry in ClinVar:

NM_000260.4(MYO7A):c.1459A>G (p.Ile487Val)

Gene: MYO7A (myosin VIIA; plus strand). Cytogenetic location: 11q13.5.
Variant type: single nucleotide variant.
Coding change: c.1459A>G on transcript NM_000260.4 (MANE Select); coding-DNA position 1459, A replaced by G.
Protein change: p.Ile487Val; replaces isoleucine 487 with valine.
Molecular consequence: missense variant.
Genome position (GRCh38, 1-based): chr11:77,162,235, A>G. VCF-style: chr11-77162235-A-G. GRCh37 (hg19) VCF-style: chr11-76873281-A-G.
Other names: c.1459A>G, p.Ile487Val (NM_001127180.2); c.1426A>G, p.Ile476Val (NM_001369365.1); short protein forms I476V, I487V.
Identifiers: ClinVar variation 3704416 (VCV003704416.2).

ClinVar aggregate classification (germline): Uncertain significance (1 of 4 stars; one submission).

gnomAD v4.1: 7 of 1,570,958 alleles (0.00045%); highest among the groups gnomAD compares: East Asian, 0.0023%; no homozygotes.

Submission:

Labcorp Genetics (formerly Invitae), Labcorp
Classification: Uncertain significance. Last evaluated: 2024-10-02. Review status: criteria provided, single submitter. Criteria: Invitae Variant Classification Sherloc (09022015). Collection method: clinical testing. Allele origin: germline.
Comment: This sequence change replaces isoleucine, which is neutral and non-polar, with valine, which is neutral and non-polar, at codon 487 of the MYO7A protein (p.Ile487Val). The frequency data for this variant in the population databases is considered unreliable, as metrics indicate poor data quality at this position in the gnomAD database. This missense change has been observed in individual(s) with deafness (PMID: 29178603). Invitae Evidence Modeling of protein sequence and biophysical properties (such as structural, functional, and spatial information, amino acid conservation, physicochemical variation, residue mobility, and thermodynamic stability) indicates that this missense variant is not expected to disrupt MYO7A protein function with a negative predictive value of 95%. In summary, the available evidence is currently insufficient to determine the role of this variant in disease. Therefore, it has been classified as a Variant of Uncertain Significance.

Literature cited by the submitters: PubMed 29178603.